The following is an entry in ClinVar:

NM_000368.5(TSC1):c.3203G>A (p.Gly1068Glu)

Gene: TSC1 (TSC complex subunit 1; minus strand). Cytogenetic location: 9q34.13.
Variant type: single nucleotide variant.
Coding change: c.3203G>A on transcript NM_000368.5 (MANE Select); coding-DNA position 3203, G replaced by A.
Protein change: p.Gly1068Glu; replaces glycine 1068 with glutamic acid.
Molecular consequence: missense variant. On other transcripts: non-coding transcript variant (5).
Genome position (GRCh38, 1-based): chr9:132,896,527, C>T on the plus strand (G>A on the coding strand, the complement: TSC1 is on the minus strand). VCF-style: chr9-132896527-C-T. GRCh37 (hg19) VCF-style: chr9-135771914-C-T.
Other names: c.3200G>A, p.Gly1067Glu (NM_001162426.2, NM_001406597.1, NM_001406598.1 and 2 more transcripts); c.3050G>A, p.Gly1017Glu (NM_001162427.2, NM_001406610.1); c.2840G>A, p.Gly947Glu (NM_001362177.2, NM_001406614.1, NM_001406615.1 and 4 more transcripts); c.3203G>A, p.Gly1068Glu (NM_001406592.1, NM_001406593.1, NM_001406594.1 and 2 more transcripts); c.3188G>A, p.Gly1063Glu (NM_001406601.1, NM_001406602.1); c.3185G>A, p.Gly1062Glu (NM_001406603.1, NM_001406604.1); c.3161G>A, p.Gly1054Glu (NM_001406605.1, NM_001406606.1, NM_001406607.1); c.3158G>A, p.Gly1053Glu (NM_001406608.1, NM_001406609.1); and 8 more; short protein forms G1002E, G1016E, G1017E, G1053E, G1054E, G1062E, G1063E, G1067E.
Identifiers: ClinVar variation 3231317 (VCV003231317.1), dbSNP rs2131601814, ClinGen allele CA375367028.
Genomic context (GRCh38, chr9:132,896,527, plus strand): 5'-AGGAAGCTTTTTGAACTGGGAAGTGAGCCCACAGTGGTGGGGATGCTGGCAGACGCTTCT[C>T]CCATAGTCGTCTCCCACCGACTGCTGAATGGGCCTGCCCTCTGGTGTGGGGGTTTCTCTG-3'
Protein context (NP_000359.1, residues 1058-1078): PFSSRWETTM[Gly1068Glu]EASASIPTTV

ClinVar aggregate classification (germline): Uncertain significance (1 of 4 stars; one submission).

Conditions:
Hereditary cancer-predisposing syndrome. Also called: Neoplastic Syndromes, Hereditary; Tumor predisposition; Hereditary neoplastic syndrome; Hereditary Cancer Syndrome. Identifiers: Orphanet 140162, MedGen C0027672, MeSH D009386, MONDO:0015356.

Submission:

Ambry Genetics
Classification: Uncertain significance for Hereditary cancer-predisposing syndrome. Last evaluated: 2023-12-23. Review status: criteria provided, single submitter. Criteria: Ambry Variant Classification Scheme 2023. Collection method: clinical testing. Allele origin: germline.
Comment: The p.G1068E variant (also known as c.3203G>A), located in coding exon 21 of the TSC1 gene, results from a G to A substitution at nucleotide position 3203. The glycine at codon 1068 is replaced by glutamic acid, an amino acid with similar properties. This amino acid position is conserved. In addition, this alteration is predicted to be tolerated by in silico analysis. Since supporting evidence is limited at this time, the clinical significance of this alteration remains unclear.